The following is an entry in ClinVar:

ClinVar aggregate classification (germline): Uncertain significance (1 of 4 stars; one submission).

Allele frequency attached by ClinVar (database versions not stated): gnomAD 0.00002; gnomAD exomes below 0.00001; TOPMed 0.00002.

Submission:

Labcorp Genetics (formerly Invitae), Labcorp
Classification: Uncertain significance. Last evaluated: 2022-07-06. Review status: criteria provided, single submitter. Criteria: Invitae Variant Classification Sherloc (09022015). Collection method: clinical testing. Allele origin: germline.
Comment: This sequence change replaces threonine, which is neutral and polar, with isoleucine, which is neutral and non-polar, at codon 730 of the SON protein (p.Thr730Ile). This variant is present in population databases (no rsID available, gnomAD 0.02%). In summary, the available evidence is currently insufficient to determine the role of this variant in disease. Therefore, it has been classified as a Variant of Uncertain Significance. Algorithms developed to predict the effect of missense changes on protein structure and function are either unavailable or do not agree on the potential impact of this missense change (SIFT: "Deleterious"; PolyPhen-2: "Probably Damaging"; Align-GVGD: "Class C0"). This variant has not been reported in the literature in individuals affected with SON-related conditions.

NM_138927.4(SON):c.2189C>T (p.Thr730Ile)

Gene: SON (SON DNA and RNA binding protein; plus strand). Cytogenetic location: 21q22.11.
Variant type: single nucleotide variant.
Coding change: c.2189C>T on transcript NM_138927.4 (MANE Select); coding-DNA position 2189, C replaced by T.
Protein change: p.Thr730Ile; replaces threonine 730 with isoleucine.
Molecular consequence: missense variant. On other transcripts: non-coding transcript variant (1), intron variant (1).
Genome position (GRCh38, 1-based): chr21:33,551,420, C>T. VCF-style: chr21-33551420-C-T. GRCh37 (hg19) VCF-style: chr21-34923726-C-T.
Other names: c.2189C>T, p.Thr730Ile (NM_001291411.2, NM_001412133.1, NM_032195.3 and 2 more transcripts); c.244+5041C>T (NM_001291412.3); short protein forms T730I.
Identifiers: ClinVar variation 1942063 (VCV001942063.5), dbSNP rs893486268, ClinGen allele CA320150267.
Genomic context (GRCh38, chr21:33,551,420, plus strand): 5'-CCCCAGAATCCCATATATTAGCTTCTAACACCATGGAGACCCATATATTAGCATCCAACA[C>T]CATGGACTCCCAAATGCTAGCGTCCAACACCATGGACTCCCAGATGCTAGCATCCAACAC-3'
Protein context (NP_620305.3, residues 720-740): TMETHILASN[Thr730Ile]MDSQMLASNT